The following is an entry in ClinVar:

NM_007194.4(CHEK2):c.1013T>G (p.Leu338Arg)

Gene: CHEK2 (checkpoint kinase 2; minus strand). Cytogenetic location: 22q12.1.
Variant type: single nucleotide variant.
Coding change: c.1013T>G on transcript NM_007194.4 (MANE Select); coding-DNA position 1013, T replaced by G.
Protein change: p.Leu338Arg; replaces leucine 338 with arginine.
Molecular consequence: missense variant. On other transcripts: intron variant (3).
Genome position (GRCh38, 1-based): chr22:28,696,983, A>C on the plus strand (T>G on the coding strand, the complement: CHEK2 is on the minus strand). VCF-style: chr22-28696983-A-C. GRCh37 (hg19) VCF-style: chr22-29092971-A-C.
Other names: c.1142T>G, p.Leu381Arg (NM_001005735.3); c.350T>G, p.Leu117Arg (NM_001257387.3, NM_001437942.1); c.812T>G, p.Leu271Arg (NM_001349956.3); c.1106T>G, p.Leu369Arg (NM_001438293.1); c.1009-1110T>G (NM_145862.3); c.1102-1110T>G (NM_001438295.1); c.1138-1110T>G (NM_001438294.1); short protein forms L338R, L117R, L381R, L271R, L369R.
Identifiers: ClinVar variation 142584 (VCV000142584.22), dbSNP rs374660293, ClinGen allele CA168755.
Genomic context (GRCh38, chr22:28,696,983, plus strand): 5'-TGAGATGACAGTAAAACATTCTCTGGCTTTAAGTCACGGTGTATAATACCGTTTTCATGA[A>C]GGTACTACACAGAAAGGCAGGCATGACCCTCAGATTCATGCAGTAGATACTTAAGTAGAA-3'
Protein context (NP_009125.1, residues 328-348): FYQMLLAVQY[Leu338Arg]HENGIIHRDL

ClinVar aggregate classification (germline): Uncertain significance. Review status: criteria provided, multiple submitters, no conflicts (2 of 4 stars). 7 submissions from 7 submitters: Uncertain significance (7). Last evaluated 2026-01-26.

Conditions:
Hereditary cancer-predisposing syndrome. Also called: Hereditary Cancer Syndrome; Neoplastic Syndromes, Hereditary; Hereditary neoplastic syndrome; Tumor predisposition. Identifiers: Orphanet 140162, MedGen C0027672, MeSH D009386, MONDO:0015356.
Familial cancer of breast. Also called: BREAST CANCER, FAMILIAL; Hereditary breast cancer; hereditary breast carcinoma. Identifiers: Orphanet 227535, MedGen C0346153, MONDO:0016419, OMIM 114480. Disease mechanism: loss of function.

gnomAD v4.1: 2 of 1,608,784 alleles (0.00012%); highest among the groups gnomAD compares: Admixed American, 0.0033%; no homozygotes.

Submissions (7):

Labcorp Genetics (formerly Invitae), Labcorp
Classification: Uncertain significance for Familial cancer of breast. Last evaluated: 2026-01-26. Review status: criteria provided, single submitter. Criteria: Invitae Variant Classification Sherloc (09022015). Collection method: clinical testing. Allele origin: germline.
Comment: This sequence change replaces leucine, which is neutral and non-polar, with arginine, which is basic and polar, at codon 338 of the CHEK2 protein (p.Leu338Arg). This variant is present in population databases (rs374660293, gnomAD 0.003%). This variant has not been reported in the literature in individuals affected with CHEK2-related conditions. ClinVar contains an entry for this variant (Variation ID: 142584). An algorithm developed to predict the effect of missense changes on protein structure and function (PolyPhen-2) suggests that this variant is likely to be disruptive. In summary, the available evidence is currently insufficient to determine the role of this variant in disease. Therefore, it has been classified as a Variant of Uncertain Significance.

Color Diagnostics, LLC DBA Color Health
Classification: Uncertain significance for Hereditary cancer-predisposing syndrome. Last evaluated: 2025-09-03. Review status: criteria provided, single submitter. Criteria: ACMG Guidelines, 2015. Collection method: clinical testing. Allele origin: germline.
Comment: This missense variant replaces leucine with arginine at codon 338 of the CHEK2 protein. Computational prediction suggests that this variant may have deleterious impact on protein structure and function. To our knowledge, functional studies have not been reported for this variant. This variant has not been reported in individuals affected with CHEK2-related disorders in the literature. This variant has been identified in 1/251074 chromosomes in the general population by the Genome Aggregation Database (gnomAD). The available evidence is insufficient to determine the role of this variant in disease conclusively. Therefore, this variant is classified as a Variant of Uncertain Significance.

Ambry Genetics
Classification: Uncertain significance for Hereditary cancer-predisposing syndrome. Last evaluated: 2025-04-24. Review status: criteria provided, single submitter. Criteria: Ambry Variant Classification Scheme 2023. Collection method: clinical testing. Allele origin: germline.
Comment: The p.L338R variant (also known as c.1013T>G), located in coding exon 9 of the CHEK2 gene, results from a T to G substitution at nucleotide position 1013. The leucine at codon 338 is replaced by arginine, an amino acid with dissimilar properties. This amino acid position is highly conserved in available vertebrate species. In addition, this alteration is predicted to be deleterious by in silico analysis. Based on the available evidence, the clinical significance of this variant remains unclear.

Baylor Genetics
Classification: Uncertain significance for Familial cancer of breast. Last evaluated: 2024-03-13. Review status: criteria provided, single submitter. Criteria: ACMG Guidelines, 2015. Collection method: clinical testing. Allele origin: unknown.

Quest Diagnostics Nichols Institute San Juan Capistrano
Classification: Uncertain significance. Last evaluated: 2023-10-10. Review status: criteria provided, single submitter. Criteria: Quest Diagnostics criteria. Collection method: clinical testing. Allele origin: unknown.

Women's Health and Genetics/Laboratory Corporation of America, LabCorp
Classification: Uncertain significance. Last evaluated: 2022-10-06. Review status: criteria provided, single submitter. Criteria: LabCorp Variant Classification Summary - May 2015. Collection method: clinical testing. Allele origin: germline.

GeneDx
Classification: Uncertain significance. Last evaluated: 2018-05-24. Review status: criteria provided, single submitter. Criteria: GeneDx Variant Classification (06012015). Collection method: clinical testing. Allele origin: germline. Affected: yes.
Comment: This variant is denoted CHEK2 c.1013T>G at the cDNA level, p.Leu338Arg (L338R) at the protein level, and results in the change of a Leucine to an Arginine (CTT>CGT). This variant has not, to our knowledge, been published in the literature as a pathogenic or benign germline variant. CHEK2 Leu338Arg was not observed at a significant allele frequency in large population cohorts (Lek 2016). This variant is located in the protein kinase domain (Cai 2009, Roeb 2012). In silico analysis, which includes protein predictors and evolutionary conservation, supports a deleterious effect. Based on currently available evidence, it is unclear whether CHEK2 Leu338Arg is a pathogenic or benign variant. We consider it to be a variant of uncertain significance.